The following is an entry in ClinVar:

NM_002775.5(HTRA1):c.1182A>G (p.Lys394=)

Gene: HTRA1 (HtrA serine peptidase 1; plus strand). Cytogenetic location: 10q26.13.
Variant type: single nucleotide variant.
Coding change: c.1182A>G on transcript NM_002775.5 (MANE Select); coding-DNA position 1182, A replaced by G.
Protein change: p.Lys394=; no amino-acid change (lysine 394 retained).
Molecular consequence: synonymous variant.
Genome position (GRCh38, 1-based): chr10:122,511,973, A>G. VCF-style: chr10-122511973-A-G. GRCh37 (hg19) VCF-style: chr10-124271489-A-G.
Identifiers: ClinVar variation 3047796 (VCV003047796.2), dbSNP rs777190269, ClinGen allele CA5726101.
Genomic context (GRCh38, chr10:122,511,973, plus strand): 5'-CGTGAGGAAGGCCTGGTGTTTCTTCACACTAACACGGGTGCTTTTTCTCTGGAGCAGCAA[A>G]GCCAAAGAGCTGAAGGACCGGCACCGGGACTTCCCAGACGTGATCTCAGGAGCGTATATA-3'
Protein context (NP_002766.1, residues 384-404): GIRMMSLTSS[Lys394=]AKELKDRHRD

ClinVar aggregate classification (germline): Likely benign (0 of 4 stars; one submission).

Conditions:
HTRA1-related disorder. Also called: HTRA1-related condition.

Allele frequency attached by ClinVar (database versions not stated): gnomAD exomes below 0.00001; ExAC 0.00001; gnomAD 0.00003; TOPMed 0.00004.
gnomAD v4.1: 8 of 1,613,592 alleles (0.0005%); highest among the groups gnomAD compares: African/African-American, 0.0093%; no homozygotes.

Submission:

PreventionGenetics, part of Exact Sciences
Classification: Likely benign for HTRA1-related condition. Last evaluated: 2020-03-17. Review status: no assertion criteria provided. Collection method: clinical testing. Allele origin: germline.
Comment: This variant is classified as likely benign based on ACMG/AMP sequence variant interpretation guidelines (Richards et al. 2015 PMID: 25741868, with internal and published modifications).